The following is an entry in ClinVar:

NM_004168.4(SDHA):c.1171G>A (p.Ala391Thr)

Gene: SDHA (succinate dehydrogenase complex flavoprotein subunit A; plus strand). Cytogenetic location: 5p15.33.
Variant type: single nucleotide variant.
Coding change: c.1171G>A on transcript NM_004168.4 (MANE Select); coding-DNA position 1171, G replaced by A.
Protein change: p.Ala391Thr; replaces alanine 391 with threonine.
Molecular consequence: missense variant.
Genome position (GRCh38, 1-based): chr5:235,250, G>A. VCF-style: chr5-235250-G-A. GRCh37 (hg19) VCF-style: chr5-235365-G-A.
Other names: c.1027G>A, p.Ala343Thr (NM_001294332.2); c.1171G>A, p.Ala391Thr (NM_001330758.2); short protein forms A391T, A343T.
Identifiers: ClinVar variation 539648 (VCV000539648.14), dbSNP rs376597185, ClinGen allele CA3173126.
Genomic context (GRCh38, chr5:235,250, plus strand): 5'-CTACCTCCAGAGCAGCTGGCCACGCGCCTGCCTGGCATTTCAGAGACAGCCATGATCTTC[G>A]CTGGCGTGGACGTCACGAAGGAGCCGATCCCTGTCCTCCCCACCGTGCATTATAACATGG-3'
Protein context (NP_004159.2, residues 381-401): PGISETAMIF[Ala391Thr]GVDVTKEPIP

ClinVar aggregate classification (germline): Uncertain significance. Review status: criteria provided, multiple submitters, no conflicts (2 of 4 stars). 4 submissions from 4 submitters: Uncertain significance (4). Last evaluated 2025-10-01.

Conditions:
Mitochondrial complex II deficiency, nuclear type 1. Also called: SUCCINATE CoQ REDUCTASE DEFICIENCY. Identifiers: Orphanet 3208, MedGen C5700310, MONDO:0100294, OMIM 252011.
Pheochromocytoma/paraganglioma syndrome 5. Also called: Paragangliomas 5; SDHA-Related Hereditary Paraganglioma-Pheochromocytoma Syndrome. Identifiers: Orphanet 29072, MedGen C3279992, MONDO:0013602, OMIM 614165.
Hereditary cancer-predisposing syndrome. Also called: Neoplastic Syndromes, Hereditary; Tumor predisposition; Hereditary Cancer Syndrome; Hereditary neoplastic syndrome. Identifiers: Orphanet 140162, MedGen C0027672, MeSH D009386, MONDO:0015356.
Dilated cardiomyopathy 1GG (CMD1GG). Identifiers: Orphanet 154, MedGen C3150898, MONDO:0013339, OMIM 613642.

Allele frequency attached by ClinVar (database versions not stated): gnomAD exomes 0.00001 and 0.00002; TOPMed 0.00001; ExAC 0.00002; ESP Exome Variant Server 0.00008.
gnomAD v4.1: 10 of 1,614,024 alleles (0.00062%); highest among the groups gnomAD compares: Admixed American, 0.0017%; no homozygotes.

Submissions (4):

Labcorp Genetics (formerly Invitae), Labcorp
Classification: Uncertain significance for Pheochromocytoma/paraganglioma syndrome 5; Mitochondrial complex II deficiency, nuclear type 1. Last evaluated: 2025-10-01. Review status: criteria provided, single submitter. Criteria: Invitae Variant Classification Sherloc (09022015). Collection method: clinical testing. Allele origin: germline.
Comment: This sequence change replaces alanine, which is neutral and non-polar, with threonine, which is neutral and polar, at codon 391 of the SDHA protein (p.Ala391Thr). This variant is present in population databases (rs376597185, gnomAD 0.004%). This variant has not been reported in the literature in individuals affected with SDHA-related conditions. ClinVar contains an entry for this variant (Variation ID: 539648). Invitae Evidence Modeling of protein sequence and biophysical properties (such as structural, functional, and spatial information, amino acid conservation, physicochemical variation, residue mobility, and thermodynamic stability) indicates that this missense variant is not expected to disrupt SDHA protein function with a negative predictive value of 95%. In summary, the available evidence is currently insufficient to determine the role of this variant in disease. Therefore, it has been classified as a Variant of Uncertain Significance.

Ambry Genetics
Classification: Uncertain significance for Hereditary cancer-predisposing syndrome. Last evaluated: 2025-02-10. Review status: criteria provided, single submitter. Criteria: Ambry Variant Classification Scheme 2023. Collection method: clinical testing. Allele origin: germline.
Comment: The p.A391T variant (also known as c.1171G>A), located in coding exon 9 of the SDHA gene, results from a G to A substitution at nucleotide position 1171. The alanine at codon 391 is replaced by threonine, an amino acid with similar properties. This amino acid position is highly conserved in available vertebrate species. In addition, this alteration is predicted to be deleterious by in silico analysis. Based on the available evidence, the clinical significance of this variant remains unclear.

Baylor Genetics
Classification: Uncertain significance for Dilated cardiomyopathy 1GG. Last evaluated: 2023-05-12. Review status: criteria provided, single submitter. Criteria: ACMG Guidelines, 2015. Collection method: clinical testing. Allele origin: unknown.

Blueprint Genetics
Classification: Uncertain significance. Last evaluated: 2022-04-20. Review status: criteria provided, single submitter. Criteria: ACMG Guidelines, 2015. Collection method: clinical testing. Allele origin: germline.